The following is an entry in ClinVar:

ClinVar aggregate classification (germline): Benign (1 of 4 stars; one submission).

Allele frequency attached by ClinVar (database versions not stated): ESP Exome Variant Server 0.02560; gnomAD exomes 0.02711 and 0.03405; gnomAD 0.02765 and 0.02965; TOPMed 0.03185; ExAC 0.03250; 1000 Genomes Project 30x 0.05122; 1000 Genomes Project 0.05371.

Submission:

GeneDx
Classification: Benign. Last evaluated: 2018-06-18. Review status: criteria provided, single submitter. Criteria: GeneDx Variant Classification (06012015). Collection method: clinical testing. Allele origin: germline. Affected: yes.
Comment: This variant is considered likely benign or benign based on one or more of the following criteria: it is a conservative change, it occurs at a poorly conserved position in the protein, it is predicted to be benign by multiple in silico algorithms, and/or has population frequency not consistent with disease.

NM_006295.3(VARS1):c.1876C>T (p.Pro626Ser)

Gene: VARS1 (valyl-tRNA synthetase 1; minus strand). Cytogenetic location: 6p21.33.
Variant type: single nucleotide variant.
Coding change: c.1876C>T on transcript NM_006295.3 (MANE Select); coding-DNA position 1876, C replaced by T.
Protein change: p.Pro626Ser; replaces proline 626 with serine.
Molecular consequence: missense variant.
Genome position (GRCh38, 1-based): chr6:31,782,732, G>A on the plus strand (C>T on the coding strand, the complement: VARS1 is on the minus strand). VCF-style: chr6-31782732-G-A. GRCh37 (hg19) VCF-style: chr6-31750509-G-A.
Other names: short protein forms P626S.
Identifiers: ClinVar variation 673970 (VCV000673970.1), dbSNP rs11531, ClinGen allele CA3723156.